The following is an entry in ClinVar:

ClinVar aggregate classification (germline): Pathogenic (1 of 4 stars; one submission).

Conditions:
Familial adenomatous polyposis 1 (FAP1). Also called: FAMILIAL ADENOMATOUS POLYPOSIS 1, ATTENUATED; POLYPOSIS, ADENOMATOUS INTESTINAL. Identifiers: MedGen C2713442, MONDO:0021056, OMIM 175100. Disease mechanism: loss of function.

Submission:

Labcorp Genetics (formerly Invitae), Labcorp
Classification: Pathogenic for Familial adenomatous polyposis 1. Last evaluated: 2025-05-25. Review status: criteria provided, single submitter. Criteria: Invitae Variant Classification Sherloc (09022015). Collection method: clinical testing. Allele origin: germline.
Comment: This sequence change creates a premature translational stop signal (p.Ser54Valfs*16) in the APC gene. It is expected to result in an absent or disrupted protein product. Loss-of-function variants in APC are known to be pathogenic (PMID: 17963004, 20685668). This variant is not present in population databases (gnomAD no frequency). This variant has not been reported in the literature in individuals affected with APC-related conditions. For these reasons, this variant has been classified as Pathogenic.

Literature cited by the submitters: PubMed 17963004; PubMed 20685668.

NM_000038.6(APC):c.160del (p.Ser54fs)

Gene: APC (APC regulator of Wnt signaling pathway; plus strand). Cytogenetic location: 5q22.2.
Variant type: Deletion.
Coding change: c.160del on transcript NM_000038.6 (MANE Select); coding-DNA position 160, one base deleted (A; older notation c.160delA).
Protein change: p.Ser54fs; shifts the reading frame from serine 54.
Molecular consequence: frameshift variant. On other transcripts: 5 prime UTR variant (8), non-coding transcript variant (2).
Genome position (GRCh38, 1-based): chr5:112,766,350, A deleted; the last of 2 consecutive A bases (chr5:112,766,349-112,766,350); deleting either gives the same sequence. VCF-style (leftmost placement, unchanged base first): chr5-112766348-GA-G. GRCh37 (hg19) VCF-style: chr5-112102045-GA-G.
Other names: c.160del, p.Ser54fs (NM_001127510.3, NM_001354895.2, NM_001354896.2 and 16 more transcripts); c.190del, p.Ser64fs (NM_001127511.3, NM_001354897.2, NM_001354902.2 and 1 more transcripts); c.85del, p.Ser29fs (NM_001354898.2, NM_001354904.2, NM_001407451.1); c.-18del (NM_001354900.2, NM_001354901.2, NM_001354905.2 and 1 more transcripts); c.-876del (NM_001354906.2, NM_001407470.1, NM_001407471.1 and 1 more transcripts); short protein forms S29fs, S54fs, S64fs.
Identifiers: ClinVar variation 4720143 (VCV004720143.1).